The following is an entry in ClinVar:

NM_005262.3(GFER):c.352C>A (p.Pro118Thr)

Gene: GFER (growth factor, augmenter of liver regeneration; plus strand). Cytogenetic location: 16p13.3.
Variant type: single nucleotide variant.
Coding change: c.352C>A on transcript NM_005262.3 (MANE Select); coding-DNA position 352, C replaced by A.
Protein change: p.Pro118Thr; replaces proline 118 with threonine.
Molecular consequence: missense variant.
Genome position (GRCh38, 1-based): chr16:1,984,840, C>A. VCF-style: chr16-1984840-C-A. GRCh37 (hg19) VCF-style: chr16-2034841-C-A.
Other names: short protein forms P118T.
Identifiers: ClinVar variation 3066171 (VCV003066171.3), dbSNP rs201603991, ClinGen allele CA394302980.

ClinVar aggregate classification (germline): Uncertain significance. Review status: criteria provided, multiple submitters, no conflicts (2 of 4 stars). 2 submissions from 2 submitters: Uncertain significance (2). Last evaluated 2024-05-06.

Conditions:
Congenital cataract-progressive muscular hypotonia-hearing loss-developmental delay syndrome. Also called: MITOCHONDRIAL COMPLEX DEFICIENCY, COMBINED; Myopathy with cataract and combined respiratory-chain deficiency. Identifiers: Orphanet 330054, MedGen C2751320, MONDO:0013116, OMIM 613076.

Submissions (2):

Labcorp Genetics (formerly Invitae), Labcorp
Classification: Uncertain significance. Last evaluated: 2024-05-06. Review status: criteria provided, single submitter. Criteria: Invitae Variant Classification Sherloc (09022015). Collection method: clinical testing. Allele origin: germline.
Comment: This sequence change replaces proline, which is neutral and non-polar, with threonine, which is neutral and polar, at codon 118 of the GFER protein (p.Pro118Thr). This variant is not present in population databases (gnomAD no frequency). This variant has not been reported in the literature in individuals affected with GFER-related conditions. An algorithm developed to predict the effect of missense changes on protein structure and function (PolyPhen-2) suggests that this variant is likely to be disruptive. In summary, the available evidence is currently insufficient to determine the role of this variant in disease. Therefore, it has been classified as a Variant of Uncertain Significance.

MVZ Medizinische Genetik Mainz
Classification: Uncertain significance for Congenital cataract-progressive muscular hypotonia-hearing loss-developmental delay syndrome. Last evaluated: 2022-06-28. Review status: criteria provided, single submitter. Criteria: UK Practice Guidelines For Variant Classification V4 01 2020. Collection method: clinical testing. Allele origin: germline. Inheritance: Autosomal recessive inheritance. Affected: yes. Observed: 1 variant allele.
Comment: ACMG Criteria: PM2_SUP, PM3_SUP, PP3